The following is an entry in ClinVar:

NM_001374353.1(GLI2):c.2214C>A (p.Asn738Lys)

Gene: GLI2 (GLI family zinc finger 2; plus strand). Cytogenetic location: 2q14.2.
Variant type: single nucleotide variant.
Coding change: c.2214C>A on transcript NM_001374353.1 (MANE Select); coding-DNA position 2214, C replaced by A.
Protein change: p.Asn738Lys; replaces asparagine 738 with lysine.
Molecular consequence: missense variant.
Genome position (GRCh38, 1-based): chr2:120,986,586, C>A. VCF-style: chr2-120986586-C-A. GRCh37 (hg19) VCF-style: chr2-121744162-C-A.
Other names: c.2265C>A, p.Asn755Lys (NM_001371271.1, NM_005270.5); c.1839C>A, p.Asn613Lys (NM_001374354.1); short protein forms N613K, N738K, N755K.
Identifiers: ClinVar variation 1698180 (VCV001698180.2), dbSNP rs904385464, ClinGen allele CA348164662.
Genomic context (GRCh38, chr2:120,986,586, plus strand): 5'-GAAGCTCAAGTCACTCAAGGATTCCTGCTCATGGGCCGGGCCGACTCCACACACGCGGAA[C>A]ACCAAGCTGCCTCCCCTCCCGGGAAGTGGTGAGTAAAGGCCTGGGGTTTGCAGATGGGGC-3'
Protein context (NP_001361282.1, residues 728-748): SWAGPTPHTR[Asn738Lys]TKLPPLPGSG

ClinVar aggregate classification (germline): Uncertain significance (1 of 4 stars; one submission).

Submission:

GeneDx
Classification: Uncertain significance. Last evaluated: 2022-01-19. Review status: criteria provided, single submitter. Criteria: GeneDx Variant Classification Process June 2021. Collection method: clinical testing. Allele origin: germline. Affected: yes.
Comment: Not observed at significant frequency in large population cohorts (gnomAD); In silico analysis supports that this missense variant does not alter protein structure/function; Has not been previously published as pathogenic or benign to our knowledge